The following is an entry in ClinVar:

ClinVar aggregate classification (germline): Uncertain significance (1 of 4 stars; one submission).

Conditions:
Cone-rod dystrophy 6 (CORD6). Also called: RETINAL CONE DYSTROPHY 2; Cone dystrophy progressive. Identifiers: Orphanet 1872, MedGen C1866293, MONDO:0011143, OMIM 601777.
Leber congenital amaurosis 1 (LCA1). Also called: AMAUROSIS CONGENITA OF LEBER I; RETINAL BLINDNESS, CONGENITAL; Congenital absence of the rods and cones; Leber's congenital tapetoretinal degeneration; Leber's congenital tapetoretinal dysplasia. Identifiers: Orphanet 65, MedGen C2931258, MONDO:0008764, OMIM 204000.

Allele frequency attached by ClinVar (database versions not stated): gnomAD exomes below 0.00001.

Submission:

Labcorp Genetics (formerly Invitae), Labcorp
Classification: Uncertain significance for Leber congenital amaurosis 1; Cone-rod dystrophy 6. Last evaluated: 2022-02-03. Review status: criteria provided, single submitter. Criteria: Invitae Variant Classification Sherloc (09022015). Collection method: clinical testing. Allele origin: germline.
Comment: This sequence change replaces arginine, which is basic and polar, with cysteine, which is neutral and slightly polar, at codon 199 of the GUCY2D protein (p.Arg199Cys). The frequency data for this variant in the population databases is considered unreliable, as metrics indicate poor data quality at this position in the gnomAD database. This variant has not been reported in the literature in individuals affected with GUCY2D-related conditions. ClinVar contains an entry for this variant (Variation ID: 955825). Algorithms developed to predict the effect of missense changes on protein structure and function are either unavailable or do not agree on the potential impact of this missense change (SIFT: "Deleterious"; PolyPhen-2: "Possibly Damaging"; Align-GVGD: "Class C0"). In summary, the available evidence is currently insufficient to determine the role of this variant in disease. Therefore, it has been classified as a Variant of Uncertain Significance.

NM_000180.4(GUCY2D):c.595C>T (p.Arg199Cys)

Gene: GUCY2D (guanylate cyclase 2D, retinal; plus strand). Cytogenetic location: 17p13.1.
Variant type: single nucleotide variant.
Coding change: c.595C>T on transcript NM_000180.4 (MANE Select); coding-DNA position 595, C replaced by T.
Protein change: p.Arg199Cys; replaces arginine 199 with cysteine.
Molecular consequence: missense variant.
Genome position (GRCh38, 1-based): chr17:8,003,642, C>T. VCF-style: chr17-8003642-C-T. GRCh37 (hg19) VCF-style: chr17-7906960-C-T.
Other names: short protein forms R199C.
Identifiers: ClinVar variation 955825 (VCV000955825.7), dbSNP rs917296356, ClinGen allele CA397944401.